The following is an entry in ClinVar:

NM_000465.4(BARD1):c.158+2T>G

Gene: BARD1 (BRCA1 associated RING domain 1; minus strand). Cytogenetic location: 2q35.
Variant type: single nucleotide variant.
Coding change: c.158+2T>G on transcript NM_000465.4 (MANE Select); the canonical splice donor site of the intron after coding-DNA position 158, T replaced by G.
Molecular consequence: splice donor variant.
Genome position (GRCh38, 1-based): chr2:214,809,410, A>C on the plus strand (T>G on the coding strand, the complement: BARD1 is on the minus strand). VCF-style: chr2-214809410-A-C. GRCh37 (hg19) VCF-style: chr2-215674134-A-C.
Other names: c.158+2T>G (NM_001282548.2, NM_001282543.2, NM_001282545.2 and 1 more transcripts).
Identifiers: ClinVar variation 1802708 (VCV001802708.7), dbSNP rs2469637256, ClinGen allele CA350464679.
Genomic context (GRCh38, chr2:214,809,410, plus strand): 5'-CCGCCCCCAGAAACTGTGCGACCCGTGCCCTCGCAGCCACCCCCAAGAAGCTCCGTCTTT[A>C]CCAACGCGAGCAGCGCAGCAGCTTCTCCAGGCGGTCGAGCGCGGCGCGACTGTGGGCCCA-3'

ClinVar aggregate classification (germline): Likely pathogenic. Review status: criteria provided, multiple submitters, no conflicts (2 of 4 stars). 2 submissions from 2 submitters: Likely pathogenic (2). Last evaluated 2025-03-04.

Conditions:
Hereditary cancer-predisposing syndrome. Also called: Neoplastic Syndromes, Hereditary; Tumor predisposition; Hereditary Cancer Syndrome; Hereditary neoplastic syndrome. Identifiers: Orphanet 140162, MedGen C0027672, MeSH D009386, MONDO:0015356.

Submissions (2):

Center for Genomic Medicine, Rigshospitalet, Copenhagen University Hospital
Classification: Likely pathogenic. Last evaluated: 2025-03-04. Review status: criteria provided, single submitter. Criteria: ACMG Guidelines, 2015. Collection method: clinical testing. Allele origin: germline.

Department of Clinical Genetics, Copenhagen University Hospital, Rigshospitalet
Classification: Likely pathogenic for Hereditary cancer-predisposing syndrome. Last evaluated: 2025-02-04. Review status: criteria provided, single submitter. Criteria: ACMG Guidelines, 2015. Collection method: clinical testing. Allele origin: germline.
Comment: PVS1; PM2_SUP